The following is an entry in ClinVar:

NM_000528.4(MAN2B1):c.1668C>A (p.Asp556Glu)

Gene: MAN2B1 (mannosidase alpha class 2B member 1; minus strand). Cytogenetic location: 19p13.13.
Variant type: single nucleotide variant.
Coding change: c.1668C>A on transcript NM_000528.4 (MANE Select); coding-DNA position 1668, C replaced by A.
Protein change: p.Asp556Glu; replaces aspartic acid 556 with glutamic acid.
Molecular consequence: missense variant.
Genome position (GRCh38, 1-based): chr19:12,655,856, G>T on the plus strand (C>A on the coding strand, the complement: MAN2B1 is on the minus strand). VCF-style: chr19-12655856-G-T. GRCh37 (hg19) VCF-style: chr19-12766670-G-T.
Other names: p.Asp556Glu; c.1665C>A, p.Asp555Glu (NM_001173498.2); short protein forms D556E, D555E.
Identifiers: ClinVar variation 328266 (VCV000328266.14), dbSNP rs766513928, ClinGen allele CA9226355.

ClinVar aggregate classification (germline): Uncertain significance. Review status: criteria provided, multiple submitters, no conflicts (2 of 4 stars). 7 submissions from 7 submitters: Uncertain significance (6). 1 of the submissions does not count toward it. Last evaluated 2025-04-25.

Conditions:
Inborn genetic diseases. Identifiers: MedGen C0950123, MeSH D030342.
Deficiency of alpha-mannosidase (MANSA). Also called: Alpha-Mannosidosis; LYSOSOMAL ALPHA-D-MANNOSIDASE DEFICIENCY; Mannosidosis, alpha-, types I and II. Identifiers: Orphanet 61, MedGen C0024748, MONDO:0009561, OMIM 248500.

Allele frequency attached by ClinVar (database versions not stated): gnomAD exomes 0.00001 and 0.00003; ExAC 0.00003; TOPMed 0.00006; gnomAD 0.00007 and 0.00008.
gnomAD v4.1: 45 of 1,613,778 alleles (0.0028%); highest among the groups gnomAD compares: East Asian, 0.02%; no homozygotes.

Submissions (7):

Ambry Genetics
Classification: Uncertain significance for Inborn genetic diseases. Last evaluated: 2025-04-25. Review status: criteria provided, single submitter. Criteria: Ambry Variant Classification Scheme 2023. Collection method: clinical testing. Allele origin: germline.

Mayo Clinic Laboratories, Mayo Clinic
Classification: Uncertain significance. Last evaluated: 2024-12-04. Review status: criteria provided, single submitter. Criteria: ACMG Guidelines, 2015. Collection method: clinical testing. Allele origin: germline. Observed: 1 variant allele.
Comment: BP4, PM2_supporting

Blueprint Genetics
Classification: Uncertain significance. Last evaluated: 2024-11-27. Review status: criteria provided, single submitter. Criteria: ACMG Guidelines, 2015. Collection method: clinical testing. Allele origin: germline.

Labcorp Genetics (formerly Invitae), Labcorp
Classification: Uncertain significance for Deficiency of alpha-mannosidase. Last evaluated: 2022-07-29. Review status: criteria provided, single submitter. Criteria: Invitae Variant Classification Sherloc (09022015). Collection method: clinical testing. Allele origin: germline.
Comment: This sequence change replaces aspartic acid, which is acidic and polar, with glutamic acid, which is acidic and polar, at codon 556 of the MAN2B1 protein (p.Asp556Glu). This variant is present in population databases (rs766513928, gnomAD 0.03%). This variant has not been reported in the literature in individuals affected with MAN2B1-related conditions. ClinVar contains an entry for this variant (Variation ID: 328266). Algorithms developed to predict the effect of missense changes on protein structure and function output the following: SIFT: "Tolerated"; PolyPhen-2: "Benign"; Align-GVGD: "Class C0". The glutamic acid amino acid residue is found in multiple mammalian species, which suggests that this missense change does not adversely affect protein function. In summary, the available evidence is currently insufficient to determine the role of this variant in disease. Therefore, it has been classified as a Variant of Uncertain Significance.

Genome-Nilou Lab
Classification: Uncertain significance for Deficiency of alpha-mannosidase. Last evaluated: 2021-09-05. Review status: criteria provided, single submitter. Criteria: ACMG Guidelines, 2015. Collection method: clinical testing. Allele origin: germline. Affected: no.

Illumina Laboratory Services, Illumina
Classification: Uncertain significance for Deficiency of alpha-mannosidase. Last evaluated: 2018-01-13. Review status: criteria provided, single submitter. Criteria: ICSL Variant Classification Criteria 13 December 2019. Collection method: clinical testing. Allele origin: germline.

Natera, Inc.
Classification: Uncertain significance for Alpha-mannosidosis. Last evaluated: 2020-01-10. Review status: no assertion criteria provided. Collection method: clinical testing. Allele origin: germline. Not counted in ClinVar's aggregate classification.